The following is an entry in ClinVar:

ClinVar aggregate classification (germline): Pathogenic (1 of 4 stars; one submission).

Conditions:
Cone-rod dystrophy 13 (CORD13). Identifiers: Orphanet 1872, MedGen C2750720, MONDO:0011987, OMIM 608194.
Leber congenital amaurosis 6 (LCA6). Identifiers: Orphanet 65, MedGen C1854260, MONDO:0013446, OMIM 613826.

Allele frequency attached by ClinVar (database versions not stated): gnomAD 0.00001.
gnomAD v4.1: 2 of 1,595,382 alleles (0.00013%); highest among the groups gnomAD compares: African/African-American, 0.0027%; no homozygotes.

Submission:

Labcorp Genetics (formerly Invitae), Labcorp
Classification: Pathogenic for Leber congenital amaurosis 6; Cone-rod dystrophy 13. Last evaluated: 2025-04-17. Review status: criteria provided, single submitter. Criteria: Invitae Variant Classification Sherloc (09022015). Collection method: clinical testing. Allele origin: germline.
Comment: This sequence change creates a premature translational stop signal (p.Arg148*) in the RPGRIP1 gene. It is expected to result in an absent or disrupted protein product. Loss-of-function variants in RPGRIP1 are known to be pathogenic (PMID: 11528500, 23105016). This variant is not present in population databases (gnomAD no frequency). This variant has not been reported in the literature in individuals affected with RPGRIP1-related conditions. ClinVar contains an entry for this variant (Variation ID: 1929443). For these reasons, this variant has been classified as Pathogenic.

Literature cited by the submitters: PubMed 11528500; PubMed 23105016.

NM_020366.4(RPGRIP1):c.442A>T (p.Arg148Ter)

Gene: RPGRIP1 (RPGR interacting protein 1; plus strand). Cytogenetic location: 14q11.2.
Variant type: single nucleotide variant.
Coding change: c.442A>T on transcript NM_020366.4 (MANE Select); coding-DNA position 442, A replaced by T.
Protein change: p.Arg148Ter; replaces arginine 148 with a stop codon.
Molecular consequence: nonsense.
Genome position (GRCh38, 1-based): chr14:21,301,189, A>T. VCF-style: chr14-21301189-A-T. GRCh37 (hg19) VCF-style: chr14-21769348-A-T.
Other names: short protein forms R148*.
Identifiers: ClinVar variation 1929443 (VCV001929443.5), dbSNP rs1324633537, ClinGen allele CA388859273.